The following is an entry in ClinVar:

ClinVar aggregate classification (germline): Likely benign. Review status: criteria provided, multiple submitters, no conflicts (2 of 4 stars). 2 submissions from 2 submitters: Likely benign (2). Last evaluated 2022-09-06.

Allele frequency attached by ClinVar (database versions not stated): TOPMed 0.00001; gnomAD 0.00002 and 0.00003; 1000 Genomes Project 30x 0.00016; 1000 Genomes Project 0.00020.
gnomAD v4.1: 29 of 1,548,782 alleles (0.0019%); highest among the groups gnomAD compares: East Asian, 0.014%; no homozygotes.

Submissions (2):

Blueprint Genetics
Classification: Likely benign. Last evaluated: 2022-09-06. Review status: criteria provided, single submitter. Criteria: ACMG Guidelines, 2015. Collection method: clinical testing. Allele origin: germline.

GeneDx
Classification: Likely benign. Last evaluated: 2017-11-13. Review status: criteria provided, single submitter. Criteria: GeneDx Variant Classification (06012015). Collection method: clinical testing. Allele origin: germline. Affected: yes.
Comment: This variant is considered likely benign or benign based on one or more of the following criteria: it is a conservative change, it occurs at a poorly conserved position in the protein, it is predicted to be benign by multiple in silico algorithms, and/or has population frequency not consistent with disease.

NM_001039213.4(CEACAM16):c.957G>A (p.Thr319=)

Genes: CEACAM16 (CEA cell adhesion molecule 16, tectorial membrane component; plus strand), CEACAM16-AS1 (CEACAM16, CEACAM19 and PVR antisense RNA 1; minus strand). Cytogenetic location: 19q13.32.
Variant type: single nucleotide variant.
Coding change: c.957G>A on transcript NM_001039213.4 (MANE Select); coding-DNA position 957, G replaced by A.
Protein change: p.Thr319=; no amino-acid change (threonine 319 retained).
Molecular consequence: synonymous variant.
Genome position (GRCh38, 1-based): chr19:44,707,877, G>A. VCF-style: chr19-44707877-G-A. GRCh37 (hg19) VCF-style: chr19-45211149-G-A.
Identifiers: ClinVar variation 512846 (VCV000512846.2), dbSNP rs556870058, ClinGen allele CA9503197.